The following is an entry in ClinVar:

ClinVar aggregate classification (germline): Uncertain significance. Review status: criteria provided, multiple submitters, no conflicts (2 of 4 stars). 2 submissions from 2 submitters: Uncertain significance (2). Last evaluated 2025-06-12.

Allele frequency attached by ClinVar (database versions not stated): TOPMed 0.00005; gnomAD exomes 0.00003; gnomAD 0.00004; ExAC 0.00004.
gnomAD v4.1: 51 of 1,613,210 alleles (0.0032%); highest among the groups gnomAD compares: Admixed American, 0.022%; no homozygotes.

Submissions (2):

GeneDx
Classification: Uncertain significance. Last evaluated: 2025-06-12. Review status: criteria provided, single submitter. Criteria: GeneDx Variant Classification Process June 2021. Collection method: clinical testing. Allele origin: germline. Affected: yes.
Comment: In silico analysis suggests that this missense variant does not alter protein structure/function; This variant is associated with the following publications: (PMID: 33798445)

Labcorp Genetics (formerly Invitae), Labcorp
Classification: Uncertain significance. Last evaluated: 2022-07-01. Review status: criteria provided, single submitter. Criteria: Invitae Variant Classification Sherloc (09022015). Collection method: clinical testing. Allele origin: germline.
Comment: This sequence change replaces valine, which is neutral and non-polar, with alanine, which is neutral and non-polar, at codon 142 of the RARS2 protein (p.Val142Ala). This variant is present in population databases (rs761568260, gnomAD 0.03%). This missense change has been observed in individual(s) with clinical features of RARS2-related conditions (PMID: 33798445). In at least one individual the data is consistent with being in trans (on the opposite chromosome) from a pathogenic variant. It has also been observed to segregate with disease in related individuals. Advanced modeling of protein sequence and biophysical properties (such as structural, functional, and spatial information, amino acid conservation, physicochemical variation, residue mobility, and thermodynamic stability) performed at Invitae indicates that this missense variant is not expected to disrupt RARS2 protein function. In summary, the available evidence is currently insufficient to determine the role of this variant in disease. Therefore, it has been classified as a Variant of Uncertain Significance.

Literature cited by the submitters: PubMed 33798445 (cited by Labcorp Genetics (formerly Invitae), Labcorp).

NM_020320.5(RARS2):c.425T>C (p.Val142Ala)

Gene: RARS2 (arginyl-tRNA synthetase 2, mitochondrial; minus strand). Cytogenetic location: 6q15.
Variant type: single nucleotide variant.
Coding change: c.425T>C on transcript NM_020320.5 (MANE Select); coding-DNA position 425, T replaced by C.
Protein change: p.Val142Ala; replaces valine 142 with alanine.
Molecular consequence: missense variant. On other transcripts: 5 prime UTR variant (5), non-coding transcript variant (15), intron variant (2).
Genome position (GRCh38, 1-based): chr6:87,548,617, A>G on the plus strand (T>C on the coding strand, the complement: RARS2 is on the minus strand). VCF-style: chr6-87548617-A-G. GRCh37 (hg19) VCF-style: chr6-88258335-A-G.
Other names: c.425T>C (NM_020320.3); c.425T>C, p.Val142Ala (NM_001350505.2); c.-101T>C (NM_001350506.2, NM_001350507.2, NM_001350508.2 and 2 more transcripts); c.-74-2918T>C (NM_001350509.2, NM_001318785.2); short protein forms V142A.
Identifiers: ClinVar variation 1923911 (VCV001923911.3), dbSNP rs761568260, ClinGen allele CA3916646.